The following is an entry in ClinVar:

ClinVar aggregate classification (germline): Uncertain significance (1 of 4 stars; one submission).

Conditions:
Spermatogenic failure 17 (SPGF17). Also called: MALE INFERTILITY DUE TO OOCYTE ACTIVATION FAILURE. Identifiers: MedGen C4310666, MONDO:0014970, OMIM 617214.

Submission:

3billion
Classification: Uncertain significance for Spermatogenic failure 17. Last evaluated: 2025-10-01. Review status: criteria provided, single submitter. Criteria: ACMG Guidelines, 2015. Collection method: clinical testing. Allele origin: germline. Affected: yes.
Comment: The variant is observed at an extremely low frequency in the gnomAD v4.1.0 dataset (total allele frequency: <0.001%). Predicted Consequence/Location: Inframe deletion located in a nonrepeat region: predicted to change the length of the protein and disrupt normal protein function. In silico tool prediction suggests damaging effect of the variant on gene or gene product [3Cnet: 0.91 (damaging >0.75, benign <0.1)]. The variant has been reported to be associated with PLCZ1-related disorder (PMID: 32048714). Therefore, this variant is classified as VUS according to the recommendation of ACMG/AMP guideline.

Literature cited by the submitters: PubMed 32048714.

NM_033123.4(PLCZ1):c.1126AAT[1] (p.Asn377del)

Genes: PIK3C2G (phosphatidylinositol-4-phosphate 3-kinase catalytic subunit type 2 gamma; plus strand), PLCZ1 (phospholipase C zeta 1; minus strand). Cytogenetic location: 12p12.3.
Variant type: Microsatellite.
Coding change: c.1126AAT[1] on transcript NM_033123.4 (MANE Select); one copy of the 3-base unit AAT starting at c.1126; the reference has two copies in a row; one copy, 3 bases deleted; also written c.1129_1131del.
Protein change: p.Asn377del; deletes asparagine 377.
Molecular consequence: inframe deletion.
Genome position (GRCh38, 1-based): chr12:18,699,837-18,699,839, ATT deleted on the plus strand (AAT on the coding strand, the reverse complement: PLCZ1 is on the minus strand); deleting any 3 consecutive bases within chr12:18,699,837-18,699,842 gives the same sequence; the position shown is the placement nearest the transcript's 3' end. VCF-style (leftmost placement, unchanged base first): chr12-18699836-AATT-A. GRCh37 (hg19) VCF-style: chr12-18852770-AATT-A.
Other names: c.547AAT[1], p.Asn184del (NM_001330769.1); c.814AAT[1], p.Asn273del (NM_001330774.2); c.1129_1131del (NM_033123.4); short protein forms N184del, N273del, N377del.
Identifiers: ClinVar variation 4854117 (VCV004854117.1).
Genomic context (GRCh38, chr12:18,699,836, plus strand): 5'-TGAGTCACAAAAATTTACCTCGCAATTTTGAAAGTTTTCGGGCTTGTGTCTCCCCAATAG[AATT>A]ATTTTCATTAAATTGCTGATATAATCTTGAATGTTGAAAGCTTTTGAATTTCTCAGCTTT-3'